The following is an entry in ClinVar:

NM_001370466.1(NOD2):c.2305C>T (p.Gln769Ter)

Gene: NOD2 (nucleotide binding oligomerization domain containing 2; plus strand). Cytogenetic location: 16q12.1.
Variant type: single nucleotide variant.
Coding change: c.2305C>T on transcript NM_001370466.1 (MANE Select); coding-DNA position 2305, C replaced by T.
Protein change: p.Gln769Ter; replaces glutamine 769 with a stop codon.
Molecular consequence: nonsense. On other transcripts: non-coding transcript variant (1).
Genome position (GRCh38, 1-based): chr16:50,712,297, C>T. VCF-style: chr16-50712297-C-T. GRCh37 (hg19) VCF-style: chr16-50746208-C-T.
Other names: c.2305C>T, p.Gln769Ter (NM_001293557.2); c.2386C>T, p.Gln796Ter (NM_022162.3); short protein forms Q769*, Q796*.
Identifiers: ClinVar variation 3763318 (VCV003763318.2).

ClinVar aggregate classification (germline): Uncertain significance (1 of 4 stars; one submission).

Conditions:
Regional enteritis. Also called: Enteritis, Granulomatous. Identifiers: MedGen C0678202, MeSH D003424.
Blau syndrome (BLAUS). Also called: ARTHROCUTANEOUVEAL GRANULOMATOSIS; GRANULOMATOSIS, FAMILIAL JUVENILE SYSTEMIC; GRANULOMATOSIS, FAMILIAL, BLAU TYPE; GRANULOMATOUS INFLAMMATORY ARTHRITIS, DERMATITIS, AND UVEITIS, FAMILIAL; JABS SYNDROME. Identifiers: Orphanet 90340, MedGen C5201146, MONDO:0008523, OMIM 186580.

gnomAD v4.1: 19 of 1,614,064 alleles (0.0012%); highest among the groups gnomAD compares: South Asian, 0.019%; no homozygotes.

Submission:

Labcorp Genetics (formerly Invitae), Labcorp
Classification: Uncertain significance for Regional enteritis; Blau syndrome. Last evaluated: 2025-02-06. Review status: criteria provided, single submitter. Criteria: Invitae Variant Classification Sherloc (09022015). Collection method: clinical testing. Allele origin: germline.
Comment: This sequence change creates a premature translational stop signal (p.Gln796*) in the NOD2 gene. It is expected to result in an absent or disrupted protein product. However, the current clinical and genetic evidence is not sufficient to establish whether loss-of-function variants in NOD2 cause disease. This variant is present in population databases (rs750344762, gnomAD 0.02%). This variant has not been reported in the literature in individuals affected with NOD2-related conditions. In summary, the available evidence is currently insufficient to determine the role of this variant in disease. Therefore, it has been classified as a Variant of Uncertain Significance.